The following is an entry in ClinVar:

ClinVar aggregate classification (germline): Uncertain significance (1 of 4 stars; one submission).

Conditions:
Familial cold autoinflammatory syndrome 2 (FCAS2). Identifiers: Orphanet 247868, MedGen C2673198, MONDO:0012724, OMIM 611762.

Submission:

Labcorp Genetics (formerly Invitae), Labcorp
Classification: Uncertain significance for Familial cold autoinflammatory syndrome 2. Last evaluated: 2022-02-11. Review status: criteria provided, single submitter. Criteria: Invitae Variant Classification Sherloc (09022015). Collection method: clinical testing. Allele origin: germline.
Comment: This variant is not present in population databases (gnomAD no frequency). In summary, the available evidence is currently insufficient to determine the role of this variant in disease. Therefore, it has been classified as a Variant of Uncertain Significance. ClinVar contains an entry for this variant (Variation ID: 999779). This variant has not been reported in the literature in individuals affected with NLRP12-related conditions. This sequence change creates a premature translational stop signal (p.Asn997Argfs*3) in the NLRP12 gene. It is expected to result in an absent or disrupted protein product. However, the current clinical and genetic evidence is not sufficient to establish whether loss-of-function variants in NLRP12 cause disease.

NM_144687.4(NLRP12):c.2990_2993del (p.Asn997fs)

Gene: NLRP12 (NLR family pyrin domain containing 12; minus strand). Cytogenetic location: 19q13.42.
Variant type: Deletion.
Coding change: c.2990_2993del on transcript NM_144687.4 (MANE Select); coding-DNA positions 2990 to 2993, 4 bases deleted (ACCA; older notation c.2990_2993delACCA).
Protein change: p.Asn997fs; shifts the reading frame from asparagine 997.
Molecular consequence: frameshift variant.
Genome position (GRCh38, 1-based): chr19:53,795,964-53,795,967, TGGT deleted on the plus strand (ACCA on the coding strand, the reverse complement: NLRP12 is on the minus strand); deleting any 4 consecutive bases within chr19:53,795,964-53,795,969 gives the same sequence; the c. name uses the placement nearest the transcript's 3' end. VCF-style (leftmost placement, unchanged base first): chr19-53795963-CTGGT-C. GRCh37 (hg19) VCF-style: chr19-54299217-CTGGT-C.
Other names: c.2993_2996del, p.Asn998fs (NM_001277126.2); c.2819_2822del, p.Asn940fs (NM_001277129.1); short protein forms N940fs, N997fs, N998fs.
Identifiers: ClinVar variation 999779 (VCV000999779.6), dbSNP rs2091750503, ClinGen allele CA2342528506.